The following is an entry in ClinVar:

ClinVar aggregate classification (germline): Uncertain significance. Review status: criteria provided, multiple submitters, no conflicts (2 of 4 stars). 2 submissions from 2 submitters: Uncertain significance (2). Last evaluated 2024-02-17.

Conditions:
Inborn genetic diseases. Identifiers: MedGen C0950123, MeSH D030342.
Neuromuscular disease caused by qualitative or quantitative defects of dysferlin. Also called: Dysferlinopathy; Qualitative or quantitative defects of dysferlin. Identifiers: Orphanet 207073, MedGen C2931687, MONDO:0016145.

Allele frequency attached by ClinVar (database versions not stated): TOPMed 0.00001.
gnomAD v4.1: 13 of 1,613,950 alleles (0.00081%); highest among the groups gnomAD compares: East Asian, 0.0045%; no homozygotes.

Submissions (2):

Ambry Genetics
Classification: Uncertain significance for Inborn genetic diseases. Last evaluated: 2024-02-17. Review status: criteria provided, single submitter. Criteria: Ambry Variant Classification Scheme 2023. Collection method: clinical testing. Allele origin: germline.

Labcorp Genetics (formerly Invitae), Labcorp
Classification: Uncertain significance for Neuromuscular disease caused by qualitative or quantitative defects of dysferlin. Last evaluated: 2022-06-24. Review status: criteria provided, single submitter. Criteria: Invitae Variant Classification Sherloc (09022015). Collection method: clinical testing. Allele origin: germline.
Comment: This sequence change replaces alanine, which is neutral and non-polar, with proline, which is neutral and non-polar, at codon 1006 of the DYSF protein (p.Ala1006Pro). This variant is not present in population databases (gnomAD no frequency). This variant has not been reported in the literature in individuals affected with DYSF-related conditions. Advanced modeling of protein sequence and biophysical properties (such as structural, functional, and spatial information, amino acid conservation, physicochemical variation, residue mobility, and thermodynamic stability) performed at Invitae indicates that this missense variant is expected to disrupt DYSF protein function. In summary, the available evidence is currently insufficient to determine the role of this variant in disease. Therefore, it has been classified as a Variant of Uncertain Significance.

NM_001130987.2(DYSF):c.3070G>C (p.Ala1024Pro)

Gene: DYSF (dysferlin; plus strand). Cytogenetic location: 2p13.2.
Variant type: single nucleotide variant.
Coding change: c.3070G>C on transcript NM_001130987.2 (MANE Select); coding-DNA position 3070, G replaced by C.
Protein change: p.Ala1024Pro; replaces alanine 1024 with proline.
Molecular consequence: missense variant.
Genome position (GRCh38, 1-based): chr2:71,570,319, G>C. VCF-style: chr2-71570319-G-C. GRCh37 (hg19) VCF-style: chr2-71797449-G-C.
Other names: c.3016G>C (NM_003494.3); c.3019G>C, p.Ala1007Pro (NM_001130455.2, NM_001130983.2); c.2974G>C, p.Ala992Pro (NM_001130976.2, NM_001130977.2); c.3016G>C, p.Ala1006Pro (NM_001130978.2, NM_003494.4); c.3109G>C, p.Ala1037Pro (NM_001130979.2); c.3067G>C, p.Ala1023Pro (NM_001130980.2, NM_001130981.2); c.3112G>C, p.Ala1038Pro (NM_001130982.2); c.2977G>C, p.Ala993Pro (NM_001130984.2, NM_001130986.2); and 1 more; short protein forms A992P, A1006P, A1038P, A1007P, A993P, A1023P, A1024P, A1037P.
Identifiers: ClinVar variation 2061592 (VCV002061592.2), dbSNP rs2092344848, ClinGen allele CA347216762.
Genomic context (GRCh38, chr2:71,570,319, plus strand): 5'-ATTGAGTGCCCACTGGGCTGGAAGTGGGAAGATGAGGAATGGTCCACAGACCTCAACCGG[G>C]CTGTCGATGAGCAAGGTGGGCAGCATGTGGAACCTGGCGAGCCCCATCCCCGGCAAGCTC-3'
Protein context (NP_001124459.1, residues 1014-1034): DEEWSTDLNR[Ala1024Pro]VDEQGWEYSI